The following is an entry in ClinVar:

ClinVar aggregate classification (germline): Uncertain significance. Review status: criteria provided, multiple submitters, no conflicts (2 of 4 stars). 2 submissions from 2 submitters: Uncertain significance (2). Last evaluated 2024-09-11.

Conditions:
Cardiovascular phenotype. Identifiers: MedGen CN230736.
Hereditary cancer-predisposing syndrome. Also called: Hereditary neoplastic syndrome; Tumor predisposition; Neoplastic Syndromes, Hereditary; Hereditary Cancer Syndrome. Identifiers: Orphanet 140162, MedGen C0027672, MeSH D009386, MONDO:0015356.
Neurofibromatosis, type 1 (NF1). Also called: Neurofibromatosis, type I; VON RECKLINGHAUSEN DISEASE; NEUROFIBROMATOSIS, TYPE I, SOMATIC; Peripheral type neurofibromatosis. Identifiers: Orphanet 636, MedGen C0027831, MONDO:0018975, OMIM 162200. Disease mechanism: loss of function.

Submissions (2):

Labcorp Genetics (formerly Invitae), Labcorp
Classification: Uncertain significance for Neurofibromatosis, type 1. Last evaluated: 2024-09-11. Review status: criteria provided, single submitter. Criteria: Invitae Variant Classification Sherloc (09022015). Collection method: clinical testing. Allele origin: germline.
Comment: This sequence change replaces histidine, which is basic and polar, with glutamine, which is neutral and polar, at codon 2372 of the NF1 protein (p.His2372Gln). This variant is not present in population databases (gnomAD no frequency). This variant has not been reported in the literature in individuals affected with NF1-related conditions. ClinVar contains an entry for this variant (Variation ID: 1471595). Invitae Evidence Modeling of protein sequence and biophysical properties (such as structural, functional, and spatial information, amino acid conservation, physicochemical variation, residue mobility, and thermodynamic stability) has been performed for this missense variant. However, the output from this modeling did not meet the statistical confidence thresholds required to predict the impact of this variant on NF1 protein function. In summary, the available evidence is currently insufficient to determine the role of this variant in disease. Therefore, it has been classified as a Variant of Uncertain Significance.

Ambry Genetics
Classification: Uncertain significance for Cardiovascular phenotype; Hereditary cancer-predisposing syndrome. Last evaluated: 2023-04-17. Review status: criteria provided, single submitter. Criteria: Ambry Variant Classification Scheme 2023. Collection method: clinical testing. Allele origin: germline.
Comment: The p.H2372Q variant (also known as c.7116C>G), located in coding exon 47 of the NF1 gene, results from a C to G substitution at nucleotide position 7116. The histidine at codon 2372 is replaced by glutamine, an amino acid with highly similar properties. This amino acid position is conserved. In addition, the in silico prediction for this alteration is inconclusive. Since supporting evidence is limited at this time, the clinical significance of this alteration remains unclear.

NM_001042492.3(NF1):c.7179C>G (p.His2393Gln)

Gene: NF1 (neurofibromin 1; plus strand). Cytogenetic location: 17q11.2.
Variant type: single nucleotide variant.
Coding change: c.7179C>G on transcript NM_001042492.3 (MANE Select); coding-DNA position 7179, C replaced by G.
Protein change: p.His2393Gln; replaces histidine 2393 with glutamine.
Molecular consequence: missense variant.
Genome position (GRCh38, 1-based): chr17:31,343,125, C>G. VCF-style: chr17-31343125-C-G. GRCh37 (hg19) VCF-style: chr17-29670143-C-G.
Other names: c.7116C>G, p.His2372Gln (NM_000267.4); short protein forms H2372Q, H2393Q.
Identifiers: ClinVar variation 1471595 (VCV001471595.9), dbSNP rs2069870191, ClinGen allele CA399015768.